The following is an entry in ClinVar:

ClinVar aggregate classification (germline): Benign. Review status: criteria provided, multiple submitters, no conflicts (2 of 4 stars). 4 submissions from 4 submitters: Benign (3). 1 of the submissions does not count toward it. Last evaluated 2026-02-02.

Conditions:
ALDH4A1-related disorder. Also called: ALDH4A1-related condition.
Hyperprolinemia type 2 (HYRPRO2). Also called: 1-PYRROLINE-5-CARBOXYLATE DEHYDROGENASE DEFICIENCY; Deficiency of pyrroline-5-carboxylate reductase; Delta-1-pyrroline-5-carboxylate dehydrogenase deficiency. Identifiers: Orphanet 79101, MedGen C2931835, MONDO:0009401, OMIM 239510.

Allele frequency attached by ClinVar (database versions not stated): 1000 Genomes Project 0.04792; 1000 Genomes Project 30x 0.05106; TOPMed 0.08997; ExAC 0.10439; gnomAD exomes 0.10473 and 0.13256; gnomAD 0.10706 and 0.11004; ESP Exome Variant Server 0.11203.
gnomAD v4.1: 209,066 of 1,614,076 alleles (13%); highest among the groups gnomAD compares: Non-Finnish European, 15%; 15,735 homozygotes.

Submissions (4):

Labcorp Genetics (formerly Invitae), Labcorp
Classification: Benign for Hyperprolinemia type 2. Last evaluated: 2026-02-02. Review status: criteria provided, single submitter. Criteria: Invitae Variant Classification Sherloc (09022015). Collection method: clinical testing. Allele origin: germline.

Illumina Laboratory Services, Illumina
Classification: Benign for Hyperprolinemia type 2. Last evaluated: 2018-01-12. Review status: criteria provided, single submitter. Criteria: ICSL Variant Classification Criteria 13 December 2019. Collection method: clinical testing. Allele origin: germline.
Comment: This variant was observed in the ICSL laboratory as part of a predisposition screen in an ostensibly healthy population. It had not been previously curated by ICSL or reported in the Human Gene Mutation Database (HGMD: prior to June 1st, 2018), and was therefore a candidate for classification through an automated scoring system. Utilizing variant allele frequency, disease prevalence and penetrance estimates, and inheritance mode, an automated score was calculated to assess if this variant is too frequent to cause the disease. Based on the score and internal cut-off values, a variant classified as benign is not then subjected to further curation. The score for this variant resulted in a classification of benign for this disease.

Breakthrough Genomics
Classification: Benign. Review status: criteria provided, single submitter. Criteria: ACMG Guidelines, 2015. Collection method: not provided. Allele origin: germline. Inheritance: Autosomal recessive inheritance. Affected: yes.

PreventionGenetics, part of Exact Sciences
Classification: Benign for ALDH4A1-related condition. Last evaluated: 2019-11-07. Review status: no assertion criteria provided. Collection method: clinical testing. Allele origin: germline. Not counted in ClinVar's aggregate classification.
Comment: This variant is classified as benign based on ACMG/AMP sequence variant interpretation guidelines (Richards et al. 2015 PMID: 25741868, with internal and published modifications).

NM_003748.4(ALDH4A1):c.1408G>A (p.Val470Ile)

Genes: ALDH4A1 (aldehyde dehydrogenase 4 family member A1; minus strand), LOC120893116 (Sharpr-MPRA regulatory region 7483; plus strand). Cytogenetic location: 1p36.13.
Variant type: single nucleotide variant.
Coding change: c.1408G>A on transcript NM_003748.4 (MANE Select); coding-DNA position 1408, G replaced by A.
Protein change: p.Val470Ile; replaces valine 470 with isoleucine.
Molecular consequence: missense variant.
Genome position (GRCh38, 1-based): chr1:18,875,434, C>T on the plus strand (G>A on the coding strand, the complement: ALDH4A1 is on the minus strand). VCF-style: chr1-18875434-C-T. GRCh37 (hg19) VCF-style: chr1-19201928-C-T.
Other names: c.1228G>A, p.Val410Ile (NM_001161504.2); c.1255G>A, p.Val419Ile (NM_001319218.2); c.1408G>A, p.Val470Ile (NM_170726.3); c.1408G>A (NM_170726.2); short protein forms V470I, V410I, V419I.
Identifiers: ClinVar variation 294367 (VCV000294367.16), dbSNP rs2230709, ClinGen allele CA646912.